The following is an entry in ClinVar:

ClinVar aggregate classification (germline): Likely pathogenic. Review status: criteria provided, multiple submitters, no conflicts (2 of 4 stars). 3 submissions from 3 submitters: Likely pathogenic (3). Last evaluated 2023-10-29.

Conditions:
Early-infantile DEE. Also called: Ohtahara syndrome; Early infantile epileptic encephalopathy with suppression bursts; Early infantile epileptic encephalopathy. Identifiers: Orphanet 1934, MedGen C0393706, MONDO:0800491.
Seizures, benign familial neonatal, 1. Also called: KCNQ2-Related Self-Limited Familial Neonatal Epilepsy (SLFNE); Benign Neonatal Epilepsy 1; Seizures, benign neonatal, 1; KCNQ2-Related Benign Familial Neonatal Epilepsy. Identifiers: Orphanet 1949, MedGen C3149074, MONDO:0007365, OMIM 121200.
Developmental and epileptic encephalopathy, 7 (DEE7). Also called: KCNQ2-Related Neonatal-Onset Developmental and Epileptic Encephalopathy (NEO-DEE); Early infantile epileptic encephalopathy 7; KCNQ2-Related Neonatal Epileptic Encephalopathy. Identifiers: Orphanet 439218, MedGen C3150986, MONDO:0013387, OMIM 613720.

Submissions (3):

Labcorp Genetics (formerly Invitae), Labcorp
Classification: Likely pathogenic for Early-infantile DEE. Last evaluated: 2023-10-29. Review status: criteria provided, single submitter. Criteria: Invitae Variant Classification Sherloc (09022015). Collection method: clinical testing. Allele origin: germline.
Comment: This sequence change replaces valine, which is neutral and non-polar, with methionine, which is neutral and non-polar, at codon 182 of the KCNQ2 protein (p.Val182Met). This variant is not present in population databases (gnomAD no frequency). This missense change has been observed in individual(s) with epilepsy and neurodevelopmental disorders (PMID: 29655203). ClinVar contains an entry for this variant (Variation ID: 427046). Advanced modeling of protein sequence and biophysical properties (such as structural, functional, and spatial information, amino acid conservation, physicochemical variation, residue mobility, and thermodynamic stability) performed at Invitae indicates that this missense variant is expected to disrupt KCNQ2 protein function with a positive predictive value of 95%. This variant disrupts the p.Val182 amino acid residue in KCNQ2. Other variant(s) that disrupt this residue have been determined to be pathogenic (Invitae). This suggests that this residue is clinically significant, and that variants that disrupt this residue are likely to be disease-causing. In summary, the currently available evidence indicates that the variant is pathogenic, but additional data are needed to prove that conclusively. Therefore, this variant has been classified as Likely Pathogenic.

GeneDx
Classification: Likely pathogenic. Last evaluated: 2018-05-07. Review status: criteria provided, single submitter. Criteria: GeneDx Variant Classification (06012015). Collection method: clinical testing. Allele origin: germline. Affected: yes.
Comment: The V182M variant has been reported in a mouse model as a possible modifier to the phenotype of mice with SCN1A variant (Kearney et al., 2006); however, it has not been previously reported in humans to our knowledge. It was not observed in approximately 6,500 individuals of European and African American ancestry in the NHLBI Exome Sequencing Project, indicating it is not a common benign variant in these populations. The V182M variant is a conservative amino acid substitution, which is not likely to impact secondary protein structure as these residues share similar properties. This substitution occurs at a position that is conserved across species. In silico analysis predicts this variant is probably damaging to the protein structure/function. Therefore, based on the currently available information, it is unclear whether this variant is a pathogenic variant or a rare benign variant.

Juno Genomics, Hangzhou Juno Genomics, Inc
Classification: Likely pathogenic for Developmental and epileptic encephalopathy, 7; Seizures, benign familial neonatal, 1. Review status: criteria provided, single submitter. Criteria: ACMG Guidelines, 2015. Collection method: clinical testing. Allele origin: germline. Affected: yes.
Comment: Absent from controls (or at extremely low frequency if recessive) in Genome Aggregation Database, Exome Sequencing Project, 1000 Genomes Project, or Exome Aggregation Consortium.;De novo (both maternity and paternity confirmed) in a patient with the disease and no family history.;Multiple lines of computational evidence support a deleterious effect on the gene or gene product (conservation, evolutionary, splicing impact, etc).;Missense variant in a gene that has a low rate of benign missense variation and where missense variants are a common mechanism of disease.;The prevalence of the variant in affected individuals is significantly increased compared to the prevalence in controls.

Literature cited by the submitters: PubMed 29655203 (cited by Labcorp Genetics (formerly Invitae), Labcorp).

NM_172107.4(KCNQ2):c.544G>A (p.Val182Met)

Gene: KCNQ2 (potassium voltage-gated channel subfamily Q member 2; minus strand). Cytogenetic location: 20q13.33.
Variant type: single nucleotide variant.
Coding change: c.544G>A on transcript NM_172107.4 (MANE Select); coding-DNA position 544, G replaced by A.
Protein change: p.Val182Met; replaces valine 182 with methionine.
Molecular consequence: missense variant.
Genome position (GRCh38, 1-based): chr20:63,444,805, C>T on the plus strand (G>A on the coding strand, the complement: KCNQ2 is on the minus strand). VCF-style: chr20-63444805-C-T. GRCh37 (hg19) VCF-style: chr20-62076158-C-T.
Other names: c.544G>A, p.Val182Met (NM_004518.6, NM_172106.3, NM_172108.5 and 1 more transcripts); short protein forms V182M.
Identifiers: ClinVar variation 427046 (VCV000427046.13), dbSNP rs1085307920, ClinGen allele CA409654914.